The following is an entry in ClinVar:

NM_001613.4(ACTA2):c.648G>A (p.Glu216=)

Genes: ACTA2-AS1 (ACTA2 antisense RNA 1; plus strand), ACTA2 (actin alpha 2, smooth muscle; minus strand). Cytogenetic location: 10q23.31.
Variant type: single nucleotide variant.
Coding change: c.648G>A on transcript NM_001613.4 (MANE Select); coding-DNA position 648, G replaced by A.
Protein change: p.Glu216=; no amino-acid change (glutamic acid 216 retained).
Molecular consequence: synonymous variant. On other transcripts: non-coding transcript variant (1), intron variant (1).
Genome position (GRCh38, 1-based): chr10:88,939,667, C>T on the plus strand (G>A on the coding strand, the complement: ACTA2 is on the minus strand). VCF-style: chr10-88939667-C-T. GRCh37 (hg19) VCF-style: chr10-90699424-C-T.
Other names: c.648G>A, p.Glu216= (NM_001141945.3, NM_001320855.2, NM_001406462.1 and 2 more transcripts); c.537G>A, p.Glu179= (NM_001406466.1); c.519G>A, p.Glu173= (NM_001406467.1, NM_001406468.1, NM_001406469.1); c.617-1425G>A (NM_001406471.1).
Identifiers: ClinVar variation 1090017 (VCV001090017.17), dbSNP rs775575485, ClinGen allele CA470731133.

ClinVar aggregate classification (germline): Likely benign. Review status: criteria provided, multiple submitters, no conflicts (2 of 4 stars). 6 submissions from 6 submitters: Likely benign (6). Last evaluated 2024-01-11.

Conditions:
Aortic aneurysm, familial thoracic 6 (AAT6). Also called: FAMILIAL THORACIC AORTIC ANEURYSM WITH LIVEDO RETICULARIS AND IRIS FLOCCULI. Identifiers: MedGen C2673186, MONDO:0012730, OMIM 611788.
Moyamoya disease 5 (MYMY5). Identifiers: Orphanet 2573, MedGen C3279690, MONDO:0013542, OMIM 614042.
Multisystemic smooth muscle dysfunction syndrome (SMDYS). Also called: MYDRIASIS, CONGENITAL, WITH PATENT DUCTUS ARTERIOSUS, THORACIC AORTIC ANEURYSM, AND VASCULOPATHY; SMOOTH MUSCLE DYSFUNCTION SYNDROME. Identifiers: Orphanet 404463, MedGen C3151201, MONDO:0013452, OMIM 613834.
Familial thoracic aortic aneurysm and aortic dissection (TAAD). Also called: Thoracic aortic aneurysms and dissections. Identifiers: Orphanet 91387, MedGen C4707243, MONDO:0019625.

Allele frequency attached by ClinVar (database versions not stated): TOPMed 0.00001; gnomAD 0.00003.
gnomAD v4.1: 15 of 1,613,946 alleles (0.00093%); highest among the groups gnomAD compares: African/African-American, 0.004%; no homozygotes.

Submissions (6):

All of Us Research Program, National Institutes of Health
Classification: Likely benign for Familial thoracic aortic aneurysm and aortic dissection. Last evaluated: 2024-01-11. Review status: criteria provided, single submitter. Criteria: ACMG Guidelines, 2015. Collection method: clinical testing. Allele origin: germline. Inheritance: Autosomal dominant inheritance. Observed: 3 variant alleles, 3 heterozygotes.
Comment: This study involves interpretation of variants in research participants for the purpose of population health screening. Participant phenotype was not available at the time of variant classification. Additional details can be found in publication PMID: 35346344, PMCID: PMC8962531

Labcorp Genetics (formerly Invitae), Labcorp
Classification: Likely benign for Aortic aneurysm, familial thoracic 6. Last evaluated: 2023-10-13. Review status: criteria provided, single submitter. Criteria: Invitae Variant Classification Sherloc (09022015). Collection method: clinical testing. Allele origin: germline.

Ambry Genetics
Classification: Likely benign for Familial thoracic aortic aneurysm and aortic dissection. Last evaluated: 2023-02-20. Review status: criteria provided, single submitter. Criteria: Ambry Variant Classification Scheme 2023. Collection method: clinical testing. Allele origin: germline.

Color Diagnostics, LLC DBA Color Health
Classification: Likely benign for Familial thoracic aortic aneurysm and aortic dissection. Last evaluated: 2022-04-28. Review status: criteria provided, single submitter. Criteria: ACMG Guidelines, 2015. Collection method: clinical testing. Allele origin: germline.

Fulgent Genetics
Classification: Likely benign for Aortic aneurysm, familial thoracic 6; Multisystemic smooth muscle dysfunction syndrome; Moyamoya disease 5. Last evaluated: 2021-09-27. Review status: criteria provided, single submitter. Criteria: ACMG Guidelines, 2015. Collection method: clinical testing. Allele origin: unknown.

GeneDx
Classification: Likely benign. Last evaluated: 2019-04-17. Review status: criteria provided, single submitter. Criteria: GeneDx Variant Classification Process June 2021. Collection method: clinical testing. Allele origin: germline. Affected: yes.